The following is an entry in ClinVar:

NM_004333.6(BRAF):c.242C>T (p.Ala81Val)

Gene: BRAF (B-Raf proto-oncogene, serine/threonine kinase; minus strand). Cytogenetic location: 7q34.
Variant type: single nucleotide variant.
Coding change: c.242C>T on transcript NM_004333.6 (MANE Select); coding-DNA position 242, C replaced by T.
Protein change: p.Ala81Val; replaces alanine 81 with valine.
Molecular consequence: missense variant. On other transcripts: intron variant (1).
Genome position (GRCh38, 1-based): chr7:140,834,871, G>A on the plus strand (C>T on the coding strand, the complement: BRAF is on the minus strand). VCF-style: chr7-140834871-G-A. GRCh37 (hg19) VCF-style: chr7-140534671-G-A.
Other names: c.242C>T, p.Ala81Val (NM_001354609.2, NM_001374244.1, NM_001374258.1 and 5 more transcripts); c.140C>T, p.Ala47Val (NM_001378470.1); c.86C>T, p.Ala29Val (NM_001378472.1, NM_001378473.1); c.240+15240C>T (NM_001378475.1); short protein forms A81V, A29V, A47V.
Identifiers: ClinVar variation 2880133 (VCV002880133.3), dbSNP rs1371538157, ClinGen allele CA369593970.

ClinVar aggregate classification (germline): Uncertain significance (1 of 4 stars; one submission).

Conditions:
RASopathy. Also called: rasopathies; Noonan spectrum disorder. Identifiers: Orphanet 536391, MedGen C5555857, MONDO:0021060.

Allele frequency attached by ClinVar (database versions not stated): gnomAD exomes below 0.00001; gnomAD 0.00001.
gnomAD v4.1: 4 of 1,613,786 alleles (0.00025%); highest among the groups gnomAD compares: Non-Finnish European, 0.00034%; no homozygotes.

Submission:

Labcorp Genetics (formerly Invitae), Labcorp
Classification: Uncertain significance for RASopathy. Last evaluated: 2024-04-15. Review status: criteria provided, single submitter. Criteria: Invitae Variant Classification Sherloc (09022015). Collection method: clinical testing. Allele origin: germline.
Comment: This sequence change replaces alanine, which is neutral and non-polar, with valine, which is neutral and non-polar, at codon 81 of the BRAF protein (p.Ala81Val). This variant is present in population databases (no rsID available, gnomAD 0.007%). This variant has not been reported in the literature in individuals affected with BRAF-related conditions. An algorithm developed to predict the effect of missense changes on protein structure and function (PolyPhen-2) suggests that this variant is likely to be disruptive. In summary, the available evidence is currently insufficient to determine the role of this variant in disease. Therefore, it has been classified as a Variant of Uncertain Significance.